The following is an entry in ClinVar:

NM_014588.6(VSX1):c.50T>C (p.Leu17Pro)

Gene: VSX1 (visual system homeobox 1; minus strand). Cytogenetic location: 20p11.21.
Variant type: single nucleotide variant.
Coding change: c.50T>C on transcript NM_014588.6 (MANE Select); coding-DNA position 50, T replaced by C.
Protein change: p.Leu17Pro; replaces leucine 17 with proline.
Molecular consequence: missense variant. On other transcripts: non-coding transcript variant (2).
Genome position (GRCh38, 1-based): chr20:25,082,047, A>G on the plus strand (T>C on the coding strand, the complement: VSX1 is on the minus strand). VCF-style: chr20-25082047-A-G. GRCh37 (hg19) VCF-style: chr20-25062683-A-G.
Other names: c.50T>C, p.Leu17Pro (NM_001256271.2, NM_001256272.2, NM_199425.3); short protein forms L17P.
Identifiers: ClinVar variation 5251 (VCV000005251.7), dbSNP rs74315436, ClinGen allele CA117359.

ClinVar aggregate classification (germline): Likely benign. Review status: criteria provided, single submitter (1 of 4 stars). 3 submissions from 3 submitters: Likely benign (1). 2 of the submissions do not count toward it. Last evaluated 2017-04-27.

Conditions:
VSX1-related disorder. Also called: VSX1-related condition.
Posterior polymorphous corneal dystrophy. Also called: Polymorphous corneal dystrophy; CORNEAL DYSTROPHY, HEREDITARY POLYMORPHOUS POSTERIOR. Identifiers: Orphanet 98973, MedGen C0339284, MONDO:0020364, HP:0007915.
Keratoconus 1 (KTCN1). Identifiers: MedGen C1835677, MONDO:0007851, OMIM 148300.

Allele frequency attached by ClinVar (database versions not stated): gnomAD 0.00012 and 0.00014; TOPMed 0.00012; gnomAD exomes 0.00013; ExAC 0.00018.

Submissions (3):

Illumina Laboratory Services, Illumina
Classification: Likely benign for Polymorphous corneal dystrophy. Last evaluated: 2017-04-27. Review status: criteria provided, single submitter. Criteria: ICSL Variant Classification Criteria 13 December 2019. Collection method: clinical testing. Allele origin: germline.
Comment: This variant was observed as part of a predisposition screen in an ostensibly healthy population. A literature search was performed for the gene, cDNA change, and amino acid change (where applicable). Publications were found based on this search. The evidence from the literature, in combination with allele frequency data from public databases where available, was sufficient to determine this variant is unlikely to cause disease. Therefore, this variant is classified as likely benign.

PreventionGenetics, part of Exact Sciences
Classification: Uncertain significance for VSX1-related condition. Last evaluated: 2024-02-14. Review status: no assertion criteria provided. Collection method: clinical testing. Allele origin: germline. Not counted in ClinVar's aggregate classification.
Comment: The VSX1 c.50T>C variant is predicted to result in the amino acid substitution p.Leu17Pro. This variant has been reported in individuals with keratoconus (Bisceglia et al. 2005. PubMed ID: 15623752; De Bonis et al. 2011. PubMed ID: 21976959); however, it was noted in these studies that the variant displayed incomplete penetrance and variable expressivity. This variant is reported in 0.018% of alleles in individuals of European (Non-Finnish) descent in gnomAD, which is more common than expected for autosomal dominant disease. At this time, the clinical significance of this variant is uncertain due to the absence of conclusive functional and genetic evidence.

OMIM
Classification: Pathogenic for KERATOCONUS 1. Last evaluated: 2011-01-01. Review status: no assertion criteria provided. Collection method: literature only. Allele origin: germline. Not counted in ClinVar's aggregate classification.

Literature cited by the submitters: PubMed 21976959 (cited by Illumina Laboratory Services, Illumina and OMIM); PubMed 15623752 (cited by Illumina Laboratory Services, Illumina and OMIM).